The following is an entry in ClinVar:

NM_001013838.3(CARMIL2):c.3668G>C (p.Ser1223Thr)

Gene: CARMIL2 (capping protein regulator and myosin 1 linker 2; plus strand). Cytogenetic location: 16q22.1.
Variant type: single nucleotide variant.
Coding change: c.3668G>C on transcript NM_001013838.3 (MANE Select); coding-DNA position 3668, G replaced by C.
Protein change: p.Ser1223Thr; replaces serine 1223 with threonine.
Molecular consequence: missense variant.
Genome position (GRCh38, 1-based): chr16:67,654,863, G>C. VCF-style: chr16-67654863-G-C. GRCh37 (hg19) VCF-style: chr16-67688766-G-C.
Other names: c.3560G>C, p.Ser1187Thr (NM_001317026.3); short protein forms S1187T, S1223T.
Identifiers: ClinVar variation 2767225 (VCV002767225.3), dbSNP rs1282857282, ClinGen allele CA396345917.

ClinVar aggregate classification (germline): Uncertain significance (1 of 4 stars; one submission).

Allele frequency attached by ClinVar (database versions not stated): gnomAD 0.00001.
gnomAD v4.1: 1 of 1,613,642 alleles (0.000062%); highest among the groups gnomAD compares: South Asian, 0.0011%; no homozygotes.

Submission:

Labcorp Genetics (formerly Invitae), Labcorp
Classification: Uncertain significance. Last evaluated: 2023-06-04. Review status: criteria provided, single submitter. Criteria: Invitae Variant Classification Sherloc (09022015). Collection method: clinical testing. Allele origin: germline.
Comment: This sequence change replaces serine, which is neutral and polar, with threonine, which is neutral and polar, at codon 1223 of the CARMIL2 protein (p.Ser1223Thr). This variant is not present in population databases (gnomAD no frequency). This variant has not been reported in the literature in individuals affected with CARMIL2-related conditions. Advanced modeling of protein sequence and biophysical properties (such as structural, functional, and spatial information, amino acid conservation, physicochemical variation, residue mobility, and thermodynamic stability) performed at Invitae indicates that this missense variant is not expected to disrupt CARMIL2 protein function. In summary, the available evidence is currently insufficient to determine the role of this variant in disease. Therefore, it has been classified as a Variant of Uncertain Significance.